The following is an entry in ClinVar:

NM_176824.3(BBS7):c.*690T>C

Gene: BBS7 (Bardet-Biedl syndrome 7; minus strand). Cytogenetic location: 4q27.
Variant type: single nucleotide variant.
Coding change: c.*690T>C on transcript NM_176824.3 (MANE Select); 690 bases downstream of the stop codon, T replaced by C.
Molecular consequence: 3 prime UTR variant.
Genome position (GRCh38, 1-based): chr4:121,825,170, A>G on the plus strand (T>C on the coding strand, the complement: BBS7 is on the minus strand). VCF-style: chr4-121825170-A-G. GRCh37 (hg19) VCF-style: chr4-122746325-A-G.
Identifiers: ClinVar variation 347473 (VCV000347473.6), dbSNP rs3217753, ClinGen allele CA10617888.

ClinVar aggregate classification (germline): Benign. Review status: criteria provided, multiple submitters, no conflicts (2 of 4 stars). 2 submissions from 2 submitters: Benign (2). Last evaluated 2018-01-13.

Conditions:
Bardet-Biedl syndrome 7 (BBS7). Identifiers: Orphanet 110, MedGen C1859565, MONDO:0014435, OMIM 615984.

Allele frequency attached by ClinVar (database versions not stated): gnomAD exomes 0.23684; 1000 Genomes Project 30x 0.24578; 1000 Genomes Project 0.24940; TOPMed 0.25697; gnomAD 0.26976 and 0.27112.
gnomAD v4.1: 41,227 of 152,174 alleles (27%); highest among the groups gnomAD compares: Non-Finnish European, 32%; 6,211 homozygotes.

Submissions (2):

Illumina Laboratory Services, Illumina
Classification: Benign for Bardet-Biedl syndrome 7. Last evaluated: 2018-01-13. Review status: criteria provided, single submitter. Criteria: ICSL Variant Classification Criteria 13 December 2019. Collection method: clinical testing. Allele origin: germline.
Comment: This variant was observed in the ICSL laboratory as part of a predisposition screen in an ostensibly healthy population. It had not been previously curated by ICSL or reported in the Human Gene Mutation Database (HGMD: prior to June 1st, 2018), and was therefore a candidate for classification through an automated scoring system. Utilizing variant allele frequency, disease prevalence and penetrance estimates, and inheritance mode, an automated score was calculated to assess if this variant is too frequent to cause the disease. Based on the score and internal cut-off values, a variant classified as benign is not then subjected to further curation. The score for this variant resulted in a classification of benign for this disease.

Breakthrough Genomics
Classification: Benign. Review status: criteria provided, single submitter. Criteria: ACMG Guidelines, 2015. Collection method: not provided. Allele origin: germline. Inheritance: Autosomal recessive inheritance. Affected: yes.